The following is an entry in ClinVar:

NM_001369.3(DNAH5):c.5272-36A>G

Gene: DNAH5 (dynein axonemal heavy chain 5; minus strand). Cytogenetic location: 5p15.2.
Variant type: single nucleotide variant.
Coding change: c.5272-36A>G on transcript NM_001369.3 (MANE Select); 36 bases into the intron before coding-DNA position 5272, A replaced by G.
Molecular consequence: intron variant.
Genome position (GRCh38, 1-based): chr5:13,841,940, T>C on the plus strand (A>G on the coding strand, the complement: DNAH5 is on the minus strand). VCF-style: chr5-13841940-T-C. GRCh37 (hg19) VCF-style: chr5-13842049-T-C.
Identifiers: ClinVar variation 4982486 (VCV004982486.1).

ClinVar aggregate classification (germline): Likely benign (1 of 4 stars; one submission).

Conditions:
DNAH5-related disorder. Also called: DNAH5-related condition.

Submission:

PreventionGenetics, part of Exact Sciences
Classification: Likely benign for DNAH5-related condition. Last evaluated: 2024-12-06. Review status: criteria provided, single submitter. Criteria: ACMG Guidelines, 2015. Collection method: clinical testing. Allele origin: germline.
Comment: This variant is classified as likely benign based on ACMG/AMP sequence variant interpretation guidelines (Richards et al. 2015 PMID: 25741868, with internal and published modifications).